The following is an entry in ClinVar:

NM_001861.6(COX4I1):c.7G>A (p.Ala3Thr)

Gene: COX4I1 (cytochrome c oxidase subunit 4I1; plus strand). Cytogenetic location: 16q24.1.
Variant type: single nucleotide variant.
Coding change: c.7G>A on transcript NM_001861.6 (MANE Select); coding-DNA position 7, G replaced by A.
Protein change: p.Ala3Thr; replaces alanine 3 with threonine.
Molecular consequence: missense variant. On other transcripts: 5 prime UTR variant (2).
Genome position (GRCh38, 1-based): chr16:85,801,212, G>A. VCF-style: chr16-85801212-G-A. GRCh37 (hg19) VCF-style: chr16-85834818-G-A.
Other names: p.Ala3Thr; c.7G>A, p.Ala3Thr (NM_001318786.3, NM_001318788.2, NM_001318794.2); c.-104G>A (NM_001318797.3); c.-220G>A (NM_001318802.2); short protein forms A3T.
Identifiers: ClinVar variation 3060855 (VCV003060855.3), dbSNP rs11557187, ClinGen allele CA8216480.

ClinVar aggregate classification (germline): Benign. Review status: criteria provided, single submitter (1 of 4 stars). 2 submissions from 2 submitters: Benign (1). 1 of the submissions does not count toward it. Last evaluated 2022-11-17.

Conditions:
COX4I1-related disorder. Also called: COX4I1-related condition.

Allele frequency attached by ClinVar (database versions not stated): TOPMed 0.08805; ExAC 0.09064; gnomAD exomes 0.06549; 1000 Genomes Project 30x 0.12617; 1000 Genomes Project 0.13059; ESP Exome Variant Server 0.07241.
gnomAD v4.1: 107,786 of 1,604,934 alleles (6.7%); highest among the groups gnomAD compares: East Asian, 29%; 5,401 homozygotes.

Submissions (2):

Mayo Clinic Laboratories, Mayo Clinic
Classification: Benign. Last evaluated: 2022-11-17. Review status: criteria provided, single submitter. Criteria: ACMG Guidelines, 2015. Collection method: clinical testing. Allele origin: germline. Observed: 40 variant alleles.
Comment: BA1, BP4

PreventionGenetics, part of Exact Sciences
Classification: Benign for COX4I1-related condition. Last evaluated: 2019-10-16. Review status: no assertion criteria provided. Collection method: clinical testing. Allele origin: germline. Not counted in ClinVar's aggregate classification.
Comment: This variant is classified as benign based on ACMG/AMP sequence variant interpretation guidelines (Richards et al. 2015 PMID: 25741868, with internal and published modifications).